The following is an entry in ClinVar:

NM_001606.5(ABCA2):c.6050G>A (p.Arg2017Gln)

Genes: ABCA2 (ATP binding cassette subfamily A member 2; minus strand), LOC126860796 (CDK7 strongly-dependent group 2 enhancer GRCh37_chr9:139904888-139906087; plus strand). Cytogenetic location: 9q34.3.
Variant type: single nucleotide variant.
Coding change: c.6050G>A on transcript NM_001606.5 (MANE Select); coding-DNA position 6050, G replaced by A.
Protein change: p.Arg2017Gln; replaces arginine 2017 with glutamine.
Molecular consequence: missense variant.
Genome position (GRCh38, 1-based): chr9:137,010,979, C>T on the plus strand (G>A on the coding strand, the complement: ABCA2 is on the minus strand). VCF-style: chr9-137010979-C-T. GRCh37 (hg19) VCF-style: chr9-139905431-C-T.
Other names: c.6047G>A, p.Arg2016Gln (NM_001411042.1); c.6140G>A, p.Arg2047Gln (NM_212533.3); short protein forms R2016Q, R2017Q, R2047Q.
Identifiers: ClinVar variation 1803356 (VCV001803356.2), dbSNP rs772518849, ClinGen allele CA5353781.

ClinVar aggregate classification (germline): Conflicting classifications of pathogenicity. Review status: criteria provided, conflicting classifications (1 of 4 stars). 2 submissions from 2 submitters: Uncertain significance (1); Likely benign (1). Last evaluated 2024-06-28.

Allele frequency attached by ClinVar (database versions not stated): gnomAD 0.00005; ExAC 0.00007.

Submissions (2):

Ambry Genetics
Classification: Likely benign. Last evaluated: 2024-06-28. Review status: criteria provided, single submitter. Criteria: Ambry Variant Classification Scheme 2023. Collection method: clinical testing. Allele origin: germline.

GeneDx
Classification: Uncertain significance. Last evaluated: 2022-06-10. Review status: criteria provided, single submitter. Criteria: GeneDx Variant Classification Process June 2021. Collection method: clinical testing. Allele origin: germline. Affected: yes.
Comment: In silico analysis supports that this missense variant does not alter protein structure/function; Has not been previously published as pathogenic or benign to our knowledge